The following is an entry in ClinVar:

ClinVar aggregate classification (germline): Uncertain significance (1 of 4 stars; one submission).

Conditions:
Hereditary nonpolyposis colorectal neoplasms. Identifiers: MedGen C0009405, MeSH D003123.

Submission:

Labcorp Genetics (formerly Invitae), Labcorp
Classification: Uncertain significance for Hereditary nonpolyposis colorectal neoplasms. Last evaluated: 2023-07-29. Review status: criteria provided, single submitter. Criteria: Invitae Variant Classification Sherloc (09022015). Collection method: clinical testing. Allele origin: germline.
Comment: This variant has not been reported in the literature in individuals affected with PMS2-related conditions. Advanced modeling of protein sequence and biophysical properties (such as structural, functional, and spatial information, amino acid conservation, physicochemical variation, residue mobility, and thermodynamic stability) performed at Invitae indicates that this missense variant is not expected to disrupt PMS2 protein function. In summary, the available evidence is currently insufficient to determine the role of this variant in disease. Therefore, it has been classified as a Variant of Uncertain Significance. This sequence change replaces phenylalanine, which is neutral and non-polar, with isoleucine, which is neutral and non-polar, at codon 546 of the PMS2 protein (p.Phe546Ile). This variant is not present in population databases (gnomAD no frequency).

NM_000535.7(PMS2):c.1636T>A (p.Phe546Ile)

Gene: PMS2 (PMS1 homolog 2, mismatch repair system component; minus strand). Cytogenetic location: 7p22.1.
Variant type: single nucleotide variant.
Coding change: c.1636T>A on transcript NM_000535.7 (MANE Select); coding-DNA position 1636, T replaced by A.
Protein change: p.Phe546Ile; replaces phenylalanine 546 with isoleucine.
Molecular consequence: missense variant. On other transcripts: non-coding transcript variant (1), intron variant (1).
Genome position (GRCh38, 1-based): chr7:5,987,129, A>T on the plus strand (T>A on the coding strand, the complement: PMS2 is on the minus strand). VCF-style: chr7-5987129-A-T. GRCh37 (hg19) VCF-style: chr7-6026760-A-T.
Other names: c.1231T>A, p.Phe411Ile (NM_001018040.1, NM_001322003.2, NM_001322004.2 and 17 more transcripts); c.1480T>A, p.Phe494Ile (NM_001322006.2, NM_001406870.1); c.1318T>A, p.Phe440Ile (NM_001322007.2, NM_001322008.2, NM_001406883.1 and 2 more transcripts); c.1075T>A, p.Phe359Ile (NM_001322010.2, NM_001406906.1, NM_001406907.1); c.703T>A, p.Phe235Ile (NM_001322011.2, NM_001322012.2); c.1063T>A, p.Phe355Ile (NM_001322013.2, NM_001406909.1); c.1636T>A, p.Phe546Ile (NM_001322014.2, NM_001406871.1, NM_001406872.1); c.1327T>A, p.Phe443Ile (NM_001322015.2, NM_001406881.1, NM_001406882.1 and 5 more transcripts); and 13 more; short protein forms F355I, F391I, F424I, F494I, F510I, F235I, F375I, F434I.
Identifiers: ClinVar variation 2747998 (VCV002747998.3), dbSNP rs1554297427, ClinGen allele CA366741435.